The following is an entry in ClinVar:

ClinVar aggregate classification (germline): Uncertain significance. Review status: criteria provided, multiple submitters, no conflicts (2 of 4 stars). 5 submissions from 5 submitters: Uncertain significance (5). Last evaluated 2024-08-21.

Conditions:
Hereditary cancer-predisposing syndrome. Also called: Neoplastic Syndromes, Hereditary; Tumor predisposition; Hereditary Cancer Syndrome; Hereditary neoplastic syndrome. Identifiers: Orphanet 140162, MedGen C0027672, MeSH D009386, MONDO:0015356.
Hereditary nonpolyposis colorectal neoplasms. Identifiers: MedGen C0009405, MeSH D003123.
Lynch syndrome. Identifiers: Orphanet 144, MedGen C4552100, MONDO:0005835. Disease mechanism: loss of function.

Allele frequency attached by ClinVar (database versions not stated): gnomAD exomes below 0.00001.
gnomAD v4.1: 3 of 1,614,012 alleles (0.00019%); highest among the groups gnomAD compares: Non-Finnish European, 0.00025%; no homozygotes.

Submissions (5):

Labcorp Genetics (formerly Invitae), Labcorp
Classification: Uncertain significance for Hereditary nonpolyposis colorectal neoplasms. Last evaluated: 2024-08-21. Review status: criteria provided, single submitter. Criteria: Invitae Variant Classification Sherloc (09022015). Collection method: clinical testing. Allele origin: germline.
Comment: This sequence change replaces alanine, which is neutral and non-polar, with threonine, which is neutral and polar, at codon 190 of the PMS2 protein (p.Ala190Thr). This variant is not present in population databases (gnomAD no frequency). This variant has not been reported in the literature in individuals affected with PMS2-related conditions. ClinVar contains an entry for this variant (Variation ID: 926867). Invitae Evidence Modeling of protein sequence and biophysical properties (such as structural, functional, and spatial information, amino acid conservation, physicochemical variation, residue mobility, and thermodynamic stability) indicates that this missense variant is expected to disrupt PMS2 protein function with a positive predictive value of 80%. In summary, the available evidence is currently insufficient to determine the role of this variant in disease. Therefore, it has been classified as a Variant of Uncertain Significance.

Ambry Genetics
Classification: Uncertain significance for Hereditary cancer-predisposing syndrome. Last evaluated: 2023-12-25. Review status: criteria provided, single submitter. Criteria: Ambry Variant Classification Scheme 2023. Collection method: clinical testing. Allele origin: germline.
Comment: The p.A190T variant (also known as c.568G>A), located in coding exon 6 of the PMS2 gene, results from a G to A substitution at nucleotide position 568. The alanine at codon 190 is replaced by threonine, an amino acid with similar properties. This amino acid position is conserved. In addition, the in silico prediction for this alteration is inconclusive. Since supporting evidence is limited at this time, the clinical significance of this alteration remains unclear.

Color Diagnostics, LLC DBA Color Health
Classification: Uncertain significance for Hereditary cancer-predisposing syndrome. Last evaluated: 2023-12-04. Review status: criteria provided, single submitter. Criteria: ACMG Guidelines, 2015. Collection method: clinical testing. Allele origin: germline.
Comment: This missense variant replaces alanine with threonine at codon 190 of the PMS2 protein. Computational prediction suggests that this variant may not impact protein structure and function (internally defined REVEL score threshold <= 0.5, PMID: 27666373). To our knowledge, functional studies have not been reported for this variant. This variant has not been reported in individuals affected with PMS2-related disorders in the literature. This variant has not been identified in the general population by the Genome Aggregation Database (gnomAD). The available evidence is insufficient to determine the role of this variant in disease conclusively. Therefore, this variant is classified as a Variant of Uncertain Significance.

All of Us Research Program, National Institutes of Health
Classification: Uncertain significance for Lynch syndrome. Last evaluated: 2023-06-15. Review status: criteria provided, single submitter. Criteria: ACMG Guidelines, 2015. Collection method: clinical testing. Allele origin: germline. Inheritance: Autosomal dominant inheritance. Observed: 1 variant allele, 1 heterozygote.
Comment: This study involves interpretation of variants in research participants for the purpose of population health screening. Participant phenotype was not available at the time of variant classification. Additional details can be found in publication PMID: 35346344, PMCID: PMC8962531

GeneDx
Classification: Uncertain significance. Last evaluated: 2019-07-03. Review status: criteria provided, single submitter. Criteria: GeneDx Variant Classification Process June 2021. Collection method: clinical testing. Allele origin: germline. Affected: yes.
Comment: In silico analysis, which includes protein predictors and evolutionary conservation, supports a deleterious effect; Has not been previously published as pathogenic or benign to our knowledge

NM_000535.7(PMS2):c.568G>A (p.Ala190Thr)

Gene: PMS2 (PMS1 homolog 2, mismatch repair system component; minus strand). Cytogenetic location: 7p22.1.
Variant type: single nucleotide variant.
Coding change: c.568G>A on transcript NM_000535.7 (MANE Select); coding-DNA position 568, G replaced by A.
Protein change: p.Ala190Thr; replaces alanine 190 with threonine.
Molecular consequence: missense variant. On other transcripts: non-coding transcript variant (1), intron variant (3).
Genome position (GRCh38, 1-based): chr7:5,999,245, C>T on the plus strand (G>A on the coding strand, the complement: PMS2 is on the minus strand). VCF-style: chr7-5999245-C-T. GRCh37 (hg19) VCF-style: chr7-6038876-C-T.
Other names: c.163G>A, p.Ala55Thr (NM_001322003.2, NM_001322004.2, NM_001322005.2 and 2 more transcripts); c.568G>A, p.Ala190Thr (NM_001322006.2, NM_001322014.2); c.250G>A, p.Ala84Thr (NM_001322007.2, NM_001322008.2); c.259G>A, p.Ala87Thr (NM_001322015.2); c.133-1822G>A (NM_001322013.2); c.-347-19G>A (NM_001322012.2, NM_001322011.2); short protein forms A190T, A87T, A55T, A84T.
Identifiers: ClinVar variation 926867 (VCV000926867.17), dbSNP rs1784822104, ClinGen allele CA366744074.
Genomic context (GRCh38, chr7:5,999,245, plus strand): 5'-TTCCTTGTCCAAGCTGATTGGTGCAACTTACACGGATGCCTGCTGAAATGATACAGTATG[C>T]ATGTAAGACCTGGACCATTTTGGCATACTCCTGTTTAAAAAACACAAACACAATATTCTA-3'
Protein context (NP_000526.2, residues 180-200): EYAKMVQVLH[Ala190Thr]YCIISAGIRV